The following is an entry in ClinVar:

ClinVar aggregate classification (germline): Benign. Review status: criteria provided, multiple submitters, no conflicts (2 of 4 stars). 2 submissions from 2 submitters: Benign (2). Last evaluated 2018-06-14.

Allele frequency attached by ClinVar (database versions not stated): 1000 Genomes Project 30x 0.62711; TOPMed 0.63121; 1000 Genomes Project 0.63199; gnomAD 0.63370 and 0.63797.
gnomAD v4.1: 96,484 of 151,190 alleles (64%); highest among the groups gnomAD compares: East Asian, 80%; 31,309 homozygotes.

Submissions (2):

GeneDx
Classification: Benign. Last evaluated: 2018-06-14. Review status: criteria provided, single submitter. Criteria: GeneDx Variant Classification (06012015). Collection method: clinical testing. Allele origin: germline. Affected: yes.
Comment: This variant is considered likely benign or benign based on one or more of the following criteria: it is a conservative change, it occurs at a poorly conserved position in the protein, it is predicted to be benign by multiple in silico algorithms, and/or has population frequency not consistent with disease.

Breakthrough Genomics
Classification: Benign. Review status: criteria provided, single submitter. Criteria: ACMG Guidelines, 2015. Collection method: not provided. Allele origin: germline. Inheritance: Autosomal recessive inheritance. Affected: yes.

NM_014317.5(PDSS1):c.129+163T>C

Gene: PDSS1 (decaprenyl diphosphate synthase subunit 1; plus strand). Cytogenetic location: 10p12.1.
Variant type: single nucleotide variant.
Coding change: c.129+163T>C on transcript NM_014317.5 (MANE Select); 163 bases into the intron after coding-DNA position 129, T replaced by C.
Molecular consequence: intron variant.
Genome position (GRCh38, 1-based): chr10:26,698,003, T>C. VCF-style: chr10-26698003-T-C. GRCh37 (hg19) VCF-style: chr10-26986932-T-C.
Other names: c.-465+163T>C (NM_001321979.2); c.129+163T>C (NM_001321978.2).
Identifiers: ClinVar variation 669538 (VCV000669538.2), dbSNP rs2448114, ClinGen allele CA13186043.
Genomic context (GRCh38, chr10:26,698,003, plus strand): 5'-GGGGGCGCGCGGGGTAGCTCCGGGGTAGCTCCGGGGTGGGACTCCGGAGCTGAGGGGTGC[T>C]CGCGGTGGGACGGAGCCGCGCGTTGGACTGAAGTAGGGGCGCCCTACACGGGGTTGCAGA-3'